The following is an entry in ClinVar:

NM_002528.7(NTHL1):c.572A>T (p.His191Leu)

Gene: NTHL1 (nth like DNA glycosylase 1; minus strand). Cytogenetic location: 16p13.3.
Variant type: single nucleotide variant.
Coding change: c.572A>T on transcript NM_002528.7 (MANE Select); coding-DNA position 572, A replaced by T.
Protein change: p.His191Leu; replaces histidine 191 with leucine.
Molecular consequence: missense variant.
Genome position (GRCh38, 1-based): chr16:2,043,680, T>A on the plus strand (A>T on the coding strand, the complement: NTHL1 is on the minus strand). VCF-style: chr16-2043680-T-A. GRCh37 (hg19) VCF-style: chr16-2093681-T-A.
Other names: c.401A>T, p.His134Leu (NM_001318193.2); c.242A>T, p.His81Leu (NM_001318194.2); short protein forms H134L, H191L, H81L.
Identifiers: ClinVar variation 2828269 (VCV002828269.3), dbSNP rs1226532313, ClinGen allele CA394292001.
Genomic context (GRCh38, chr16:2,043,680, plus strand): 5'-GGCCCAACACCCGGCAGCGCCACCAGCTCGGCCACAGAGGCTGGGATGTCCCCACCGTAG[T>A]GCTGCTGCAGGATGGCGCTGGTCTGCTTGATGTATTTCACCTTGCTCTGAAAGACAGGGG-3'
Protein context (NP_002519.2, residues 181-201): IKQTSAILQQ[His191Leu]YGGDIPASVA

ClinVar aggregate classification (germline): Uncertain significance (1 of 4 stars; one submission).

Submission:

Labcorp Genetics (formerly Invitae), Labcorp
Classification: Uncertain significance. Last evaluated: 2025-07-07. Review status: criteria provided, single submitter. Criteria: Invitae Variant Classification Sherloc (09022015). Collection method: clinical testing. Allele origin: germline.
Comment: This sequence change replaces histidine, which is basic and polar, with leucine, which is neutral and non-polar, at codon 199 of the NTHL1 protein (p.His199Leu). This variant is not present in population databases (gnomAD no frequency). This variant has not been reported in the literature in individuals affected with NTHL1-related conditions. ClinVar contains an entry for this variant (Variation ID: 2828269). An algorithm developed to predict the effect of missense changes on protein structure and function (PolyPhen-2) suggests that this variant is likely to be tolerated. In summary, the available evidence is currently insufficient to determine the role of this variant in disease. Therefore, it has been classified as a Variant of Uncertain Significance.